The following is an entry in ClinVar:

NM_172107.4(KCNQ2):c.915C>G (p.Phe305Leu)

Gene: KCNQ2 (potassium voltage-gated channel subfamily Q member 2; minus strand). Cytogenetic location: 20q13.33.
Variant type: single nucleotide variant.
Coding change: c.915C>G on transcript NM_172107.4 (MANE Select); coding-DNA position 915, C replaced by G.
Protein change: p.Phe305Leu; replaces phenylalanine 305 with leucine.
Molecular consequence: missense variant.
Genome position (GRCh38, 1-based): chr20:63,439,610, G>C on the plus strand (C>G on the coding strand, the complement: KCNQ2 is on the minus strand). VCF-style: chr20-63439610-G-C. GRCh37 (hg19) VCF-style: chr20-62070963-G-C.
Other names: c.915C>G, p.Phe305Leu (NM_004518.6, NM_172106.3, NM_172108.5 and 1 more transcripts); short protein forms F305L.
Identifiers: ClinVar variation 461423 (VCV000461423.11), dbSNP rs775918190, ClinGen allele CA409652470.
Genomic context (GRCh38, chr20:63,439,610, plus strand): 5'-TACAAGACCTCGTCCCCCTCCAAGGCAGGCAGGGGCAGCTGGACTTACTGCAGGCAGCGC[G>C]AAGAAGGAGACACCGATGAGGGTGAAGGTTGCCGCAAGGAGCCTGCCGTTCCAGGTCTGG-3'
Protein context (NP_742105.1, residues 295-315): ATFTLIGVSF[Phe305Leu]ALPAGILGSG

ClinVar aggregate classification (germline): Pathogenic (1 of 4 stars; one submission).

Conditions:
Early-infantile DEE. Also called: Early infantile epileptic encephalopathy; Ohtahara syndrome; Early infantile epileptic encephalopathy with suppression bursts. Identifiers: Orphanet 1934, MedGen C0393706, MONDO:0800491.

Submission:

Labcorp Genetics (formerly Invitae), Labcorp
Classification: Pathogenic for Early-infantile DEE. Last evaluated: 2020-03-07. Review status: criteria provided, single submitter. Criteria: Invitae Variant Classification Sherloc (09022015). Collection method: clinical testing. Allele origin: germline.
Comment: This sequence change replaces phenylalanine with leucine at codon 305 of the KCNQ2 protein (p.Phe305Leu). The phenylalanine residue is highly conserved and there is a small physicochemical difference between phenylalanine and leucine. This variant is not present in population databases (ExAC no frequency). For these reasons, this variant has been classified as Pathogenic. Algorithms developed to predict the effect of missense changes on protein structure and function are either unavailable or do not agree on the potential impact of this missense change (SIFT: "Deleterious"; PolyPhen-2: "Possibly Damaging"; Align-GVGD: "Class C15"). This protein change has been observed to be de novo in individuals affected with early infantile epileptic encephalopathy (PMID: 25473036, Invitae). ClinVar contains an entry for this variant (Variation ID: 461423).

Literature cited by the submitters: PubMed 25473036.